The following is an entry in ClinVar:

ClinVar aggregate classification (germline): Pathogenic (1 of 4 stars; one submission).

Submission:

Labcorp Genetics (formerly Invitae), Labcorp
Classification: Pathogenic. Last evaluated: 2025-05-28. Review status: criteria provided, single submitter. Criteria: Invitae Variant Classification Sherloc (09022015). Collection method: clinical testing. Allele origin: germline.
Comment: This sequence change creates a premature translational stop signal (p.Glu571*) in the DDR2 gene. It is expected to result in an absent or disrupted protein product. Loss-of-function variants in DDR2 are known to be pathogenic (PMID: 11375938, 29884795). This variant is not present in population databases (gnomAD no frequency). This variant has not been reported in the literature in individuals affected with DDR2-related conditions. For these reasons, this variant has been classified as Pathogenic.

Literature cited by the submitters: PubMed 11375938; PubMed 29884795.

NM_006182.4(DDR2):c.1711G>T (p.Glu571Ter)

Gene: DDR2 (discoidin domain receptor tyrosine kinase 2; plus strand). Cytogenetic location: 1q23.3.
Variant type: single nucleotide variant.
Coding change: c.1711G>T on transcript NM_006182.4 (MANE Select); coding-DNA position 1711, G replaced by T.
Protein change: p.Glu571Ter; replaces glutamic acid 571 with a stop codon.
Molecular consequence: nonsense.
Genome position (GRCh38, 1-based): chr1:162,772,230, G>T. VCF-style: chr1-162772230-G-T. GRCh37 (hg19) VCF-style: chr1-162742020-G-T.
Other names: c.1711G>T, p.Glu571Ter (NM_001014796.3, NM_001354982.2, NM_001354983.2); short protein forms E571*.
Identifiers: ClinVar variation 4720075 (VCV004720075.1).